The following is an entry in ClinVar:

NM_005859.5(PURA):c.703G>A (p.Val235Met)

Gene: PURA (purine rich element binding protein A; plus strand). Cytogenetic location: 5q31.3.
Variant type: single nucleotide variant.
Coding change: c.703G>A on transcript NM_005859.5 (MANE Select); coding-DNA position 703, G replaced by A.
Protein change: p.Val235Met; replaces valine 235 with methionine.
Molecular consequence: missense variant.
Genome position (GRCh38, 1-based): chr5:140,114,884, G>A. VCF-style: chr5-140114884-G-A. GRCh37 (hg19) VCF-style: chr5-139494469-G-A.
Other names: short protein forms V235M.
Identifiers: ClinVar variation 3360287 (VCV003360287.1).

ClinVar aggregate classification (germline): Uncertain significance (1 of 4 stars; one submission).

Submission:

GeneDx
Classification: Uncertain significance. Last evaluated: 2023-06-21. Review status: criteria provided, single submitter. Criteria: GeneDx Variant Classification Process June 2021. Collection method: clinical testing. Allele origin: germline. Affected: yes.
Comment: Not observed at significant frequency in large population cohorts (gnomAD); In silico analysis supports that this missense variant does not alter protein structure/function; Has not been previously published as pathogenic or benign to our knowledge